The following is an entry in ClinVar:

ClinVar aggregate classification (germline): Uncertain significance. Review status: criteria provided, multiple submitters, no conflicts (2 of 4 stars). 2 submissions from 2 submitters: Uncertain significance (2). Last evaluated 2026-04-06.

Conditions:
ABCC12-related condition.

Allele frequency attached by ClinVar (database versions not stated): 1000 Genomes Project 0.00020; gnomAD exomes 0.00001; ExAC 0.00002; ESP Exome Variant Server 0.00008; gnomAD 0.00011; 1000 Genomes Project 30x 0.00016; TOPMed 0.00019.

Submissions (2):

PreventionGenetics, part of Exact Sciences
Classification: Uncertain significance for ABCC12-related condition. Last evaluated: 2026-04-06. Review status: criteria provided, single submitter. Criteria: ACMG Guidelines, 2015. Collection method: clinical testing. Allele origin: germline.
Comment: The ABCC12 c.3083G>T variant is predicted to result in the amino acid substitution p.Arg1028Ile. To our knowledge, this variant has not been reported in the literature. This variant is reported in 0.016% of alleles in individuals of African descent in gnomAD. At this time, the clinical significance of this variant is uncertain due to the absence of conclusive functional and genetic evidence.

Ambry Genetics
Classification: Uncertain significance. Last evaluated: 2023-11-03. Review status: criteria provided, single submitter. Criteria: Ambry Variant Classification Scheme 2023. Collection method: clinical testing. Allele origin: germline.

NM_001393797.1(ABCC12):c.3083G>T (p.Arg1028Ile)

Gene: ABCC12 (ATP binding cassette subfamily C member 12; minus strand). Cytogenetic location: 16q12.1.
Variant type: single nucleotide variant.
Coding change: c.3083G>T on transcript NM_001393797.1 (MANE Select); coding-DNA position 3083, G replaced by T.
Protein change: p.Arg1028Ile; replaces arginine 1028 with isoleucine.
Molecular consequence: missense variant. On other transcripts: non-coding transcript variant (6).
Genome position (GRCh38, 1-based): chr16:48,096,858, C>A on the plus strand (G>T on the coding strand, the complement: ABCC12 is on the minus strand). VCF-style: chr16-48096858-C-A. GRCh37 (hg19) VCF-style: chr16-48130769-C-A.
Other names: c.3083G>T, p.Arg1028Ile (NM_033226.3); short protein forms R1028I.
Identifiers: ClinVar variation 3127786 (VCV003127786.2), dbSNP rs200089399, ClinGen allele CA8041830.
Genomic context (GRCh38, chr16:48,096,858, plus strand): 5'-AAACTCAGGGTCACCAACAAGGCCACAGTGAAGGTAAGGATGTTCATGAGGACATCCATT[C>A]TCAGCGCAAACCACCTGAGAGCACAGTTAAAGTAGAGGAGGTGACTGGAGTTTTCGTCGT-3'
Protein context (NP_001380726.1, residues 1018-1038): FNCALRWFAL[Arg1028Ile]MDVLMNILTF